The following is an entry in ClinVar:

NM_006361.6(HOXB13):c.666G>T (p.Pro222=)

Gene: HOXB13 (homeobox B13; minus strand). Cytogenetic location: 17q21.32.
Variant type: single nucleotide variant.
Coding change: c.666G>T on transcript NM_006361.6 (MANE Select); coding-DNA position 666, G replaced by T.
Protein change: p.Pro222=; no amino-acid change (proline 222 retained).
Molecular consequence: synonymous variant.
Genome position (GRCh38, 1-based): chr17:48,726,979, C>A on the plus strand (G>T on the coding strand, the complement: HOXB13 is on the minus strand). VCF-style: chr17-48726979-C-A. GRCh37 (hg19) VCF-style: chr17-46804341-C-A.
Identifiers: ClinVar variation 483528 (VCV000483528.15), dbSNP rs1230526859, ClinGen allele CA500501053.

ClinVar aggregate classification (germline): Benign/Likely benign. Review status: criteria provided, multiple submitters, no conflicts (2 of 4 stars). 3 submissions from 3 submitters: Benign (1); Likely benign (2). Last evaluated 2025-12-06.

Conditions:
Prostate cancer, hereditary, 9 (HPC9). Identifiers: Orphanet 1331, MedGen C1970250, MONDO:0012597, OMIM 610997.
Hereditary cancer-predisposing syndrome. Also called: Neoplastic Syndromes, Hereditary; Tumor predisposition; Hereditary Cancer Syndrome; Hereditary neoplastic syndrome. Identifiers: Orphanet 140162, MedGen C0027672, MeSH D009386, MONDO:0015356.

gnomAD v4.1: 2 of 1,612,978 alleles (0.00012%); highest among the groups gnomAD compares: Non-Finnish European, 0.000085%; no homozygotes.

Submissions (3):

Labcorp Genetics (formerly Invitae), Labcorp
Classification: Likely benign. Last evaluated: 2025-12-06. Review status: criteria provided, single submitter. Criteria: Invitae Variant Classification Sherloc (09022015). Collection method: clinical testing. Allele origin: germline.

Myriad Genetics, Inc.
Classification: Benign for Prostate cancer, hereditary, 9. Last evaluated: 2024-10-30. Review status: criteria provided, single submitter. Criteria: Myriad Autosomal Dominant, Autosomal Recessive and X-Linked Classification Criteria (2023). Collection method: clinical testing. Allele origin: unknown.
Comment: This variant is considered benign. This variant is a silent/synonymous amino acid change and it is not expected to impact splicing.

Ambry Genetics
Classification: Likely benign for Hereditary cancer-predisposing syndrome. Last evaluated: 2017-08-03. Review status: criteria provided, single submitter. Criteria: Ambry Variant Classification Scheme 2023. Collection method: clinical testing. Allele origin: germline.